The following is an entry in ClinVar:

NC_000002.12:g.121530903G>A

Genes: CLASP1 (cytoplasmic linker associated protein 1; minus strand), CLASP1-AS1 (CLASP1 antisense RNA 1; plus strand), RNU4ATAC (RNA, U4atac small nuclear; plus strand). Cytogenetic location: 2q14.2.
Variant type: single nucleotide variant.
Molecular consequence: intron variant (on NM_001395891.1).
Genome position: GRCh38 VCF-style: chr2-121530903-G-A. GRCh37 (hg19) VCF-style: chr2-122288479-G-A.
Other names: c.196-578C>T (NM_001142274.2, NM_015282.3, NM_001378003.1 and 5 more transcripts).
Identifiers: ClinVar variation 1062165 (VCV001062165.5), dbSNP rs754423211, ClinGen allele CA1854685.
Genomic context (GRCh38, chr2:121,530,903, plus strand): 5'-GGCGCTTCCTGCTTGCAGCCCAGGGACTTTCTATTATAACCATCCTTTTCTTGGGGTTGC[G>A]CTACTGTCCAATGAGCGCATAGTGAGGGCAGTACTGCTAACGCCTGAACAACACACCCGC-3'

ClinVar aggregate classification (germline): Uncertain significance (1 of 4 stars; one submission).

Allele frequency attached by ClinVar (database versions not stated): ExAC 0.00074.
gnomAD v4.1: 106 of 695,272 alleles (0.015%); highest among the groups gnomAD compares: Middle Eastern, 0.11%; no homozygotes.

Submission:

Labcorp Genetics (formerly Invitae), Labcorp
Classification: Uncertain significance. Last evaluated: 2026-01-08. Review status: criteria provided, single submitter. Criteria: Invitae Variant Classification Sherloc (09022015). Collection method: clinical testing. Allele origin: germline.
Comment: This variant occurs in the RNU4ATAC gene, which encodes an RNA molecule that does not result in a protein product. This variant is present in population databases (rs754423211, gnomAD 0.07%). This variant has not been reported in the literature in individuals affected with RNU4ATAC-related conditions. ClinVar contains an entry for this variant (Variation ID: 1062165). Experimental studies and prediction algorithms are not available or were not evaluated, and the functional significance of this variant is currently unknown. In summary, the available evidence is currently insufficient to determine the role of this variant in disease. Therefore, it has been classified as a Variant of Uncertain Significance.